The following is an entry in ClinVar:

NM_004304.5(ALK):c.4643G>A (p.Gly1548Glu)

Gene: ALK (ALK receptor tyrosine kinase; minus strand). Cytogenetic location: 2p23.2.
Variant type: single nucleotide variant.
Coding change: c.4643G>A on transcript NM_004304.5 (MANE Select); coding-DNA position 4643, G replaced by A.
Protein change: p.Gly1548Glu; replaces glycine 1548 with glutamic acid.
Molecular consequence: missense variant.
Genome position (GRCh38, 1-based): chr2:29,193,444, C>T on the plus strand (G>A on the coding strand, the complement: ALK is on the minus strand). VCF-style: chr2-29193444-C-T. GRCh37 (hg19) VCF-style: chr2-29416310-C-T.
Other names: c.1439G>A, p.Gly480Glu (NM_001353765.2); short protein forms G1548E, G480E.
Identifiers: ClinVar variation 1435854 (VCV001435854.8), dbSNP rs78868998, ClinGen allele CA44634789.

ClinVar aggregate classification (germline): Uncertain significance (1 of 4 stars; one submission).

Conditions:
Neuroblastoma, susceptibility to, 3. Also called: ALK-Related Neuroblastic Tumor Susceptibility. Identifiers: Orphanet 635, MedGen C2751681, MONDO:0013083, OMIM 613014.

Submission:

Labcorp Genetics (formerly Invitae), Labcorp
Classification: Uncertain significance for Neuroblastoma, susceptibility to, 3. Last evaluated: 2024-03-10. Review status: criteria provided, single submitter. Criteria: Invitae Variant Classification Sherloc (09022015). Collection method: clinical testing. Allele origin: germline.
Comment: This sequence change replaces glycine, which is neutral and non-polar, with glutamic acid, which is acidic and polar, at codon 1548 of the ALK protein (p.Gly1548Glu). This variant is not present in population databases (gnomAD no frequency). This variant has not been reported in the literature in individuals affected with ALK-related conditions. ClinVar contains an entry for this variant (Variation ID: 1435854). An algorithm developed to predict the effect of missense changes on protein structure and function (PolyPhen-2) suggests that this variant is likely to be tolerated. In summary, the available evidence is currently insufficient to determine the role of this variant in disease. Therefore, it has been classified as a Variant of Uncertain Significance.